The following is an entry in ClinVar:

NM_152281.3(GORAB):c.927G>C (p.Arg309Ser)

Gene: GORAB (golgin, RAB6 interacting; plus strand). Cytogenetic location: 1q24.2.
Variant type: single nucleotide variant.
Coding change: c.927G>C on transcript NM_152281.3 (MANE Select); coding-DNA position 927, G replaced by C.
Protein change: p.Arg309Ser; replaces arginine 309 with serine.
Molecular consequence: missense variant. On other transcripts: non-coding transcript variant (1).
Genome position (GRCh38, 1-based): chr1:170,552,279, G>C. VCF-style: chr1-170552279-G-C. GRCh37 (hg19) VCF-style: chr1-170521420-G-C.
Other names: c.462G>C, p.Arg154Ser (NM_001320252.2); c.876G>C, p.Arg292Ser (NM_001410894.1); short protein forms R154S, R292S, R309S.
Identifiers: ClinVar variation 2181668 (VCV002181668.4), dbSNP rs1571262512, ClinGen allele CA343165161.

ClinVar aggregate classification (germline): Uncertain significance (1 of 4 stars; one submission).

Submission:

Labcorp Genetics (formerly Invitae), Labcorp
Classification: Uncertain significance. Last evaluated: 2025-12-08. Review status: criteria provided, single submitter. Criteria: Invitae Variant Classification Sherloc (09022015). Collection method: clinical testing. Allele origin: germline.
Comment: This sequence change replaces arginine, which is basic and polar, with serine, which is neutral and polar, at codon 334 of the GORAB protein (p.Arg334Ser). This variant is not present in population databases (gnomAD no frequency). This variant has not been reported in the literature in individuals affected with GORAB-related conditions. ClinVar contains an entry for this variant (Variation ID: 2181668). An algorithm developed to predict the effect of missense changes on protein structure and function outputs the following: PolyPhen-2: "Benign". The serine amino acid residue is found in multiple mammalian species, which suggests that this missense change does not adversely affect protein function. In summary, the available evidence is currently insufficient to determine the role of this variant in disease. Therefore, it has been classified as a Variant of Uncertain Significance.